The following is an entry in ClinVar:

ClinVar aggregate classification (germline): Uncertain significance (1 of 4 stars; one submission).

Conditions:
Encephalopathy, acute, infection-induced (herpes-specific), susceptibility to, 1. Also called: Herpes simplex encephalitis, susceptibility to, 1. Identifiers: Orphanet 1930, MedGen C2750180, MONDO:0024563, OMIM 610551.

Allele frequency attached by ClinVar (database versions not stated): gnomAD exomes 0.00001; TOPMed below 0.00001; gnomAD 0.00001.

Submission:

Labcorp Genetics (formerly Invitae), Labcorp
Classification: Uncertain significance for Encephalopathy, acute, infection-induced (herpes-specific), susceptibility to, 1. Last evaluated: 2022-08-16. Review status: criteria provided, single submitter. Criteria: Invitae Variant Classification Sherloc (09022015). Collection method: clinical testing. Allele origin: germline.
Comment: This variant is present in population databases (no rsID available, gnomAD 0.01%). This variant has not been reported in the literature in individuals affected with TLR3-related conditions. ClinVar contains an entry for this variant (Variation ID: 1474702). Algorithms developed to predict the effect of missense changes on protein structure and function are either unavailable or do not agree on the potential impact of this missense change (SIFT: "Deleterious"; PolyPhen-2: "Probably Damaging"; Align-GVGD: "Class C15"). In summary, the available evidence is currently insufficient to determine the role of this variant in disease. Therefore, it has been classified as a Variant of Uncertain Significance. This sequence change replaces histidine, which is basic and polar, with asparagine, which is neutral and polar, at codon 762 of the TLR3 protein (p.His762Asn).

NM_003265.3(TLR3):c.2284C>A (p.His762Asn)

Gene: TLR3 (toll like receptor 3; plus strand). Cytogenetic location: 4q35.1.
Variant type: single nucleotide variant.
Coding change: c.2284C>A on transcript NM_003265.3 (MANE Select); coding-DNA position 2284, C replaced by A.
Protein change: p.His762Asn; replaces histidine 762 with asparagine.
Molecular consequence: missense variant.
Genome position (GRCh38, 1-based): chr4:186,083,970, C>A. VCF-style: chr4-186083970-C-A. GRCh37 (hg19) VCF-style: chr4-187005124-C-A.
Other names: short protein forms H762N.
Identifiers: ClinVar variation 1474702 (VCV001474702.8), dbSNP rs1462932930, ClinGen allele CA358936760.